The following is an entry in ClinVar:

ClinVar aggregate classification (germline): Uncertain significance. Review status: criteria provided, multiple submitters, no conflicts (2 of 4 stars). 3 submissions from 3 submitters: Uncertain significance (3). Last evaluated 2025-12-29.

gnomAD v4.1: 5 of 1,613,586 alleles (0.00031%); highest among the groups gnomAD compares: South Asian, 0.0033%; no homozygotes.

Submissions (3):

Center for Genomic Medicine, Rigshospitalet, Copenhagen University Hospital
Classification: Uncertain significance. Last evaluated: 2025-12-29. Review status: criteria provided, single submitter. Criteria: ACMG Guidelines, 2015. Collection method: clinical testing. Allele origin: germline.

Labcorp Genetics (formerly Invitae), Labcorp
Classification: Uncertain significance. Last evaluated: 2025-12-06. Review status: criteria provided, single submitter. Criteria: Invitae Variant Classification Sherloc (09022015). Collection method: clinical testing. Allele origin: germline.
Comment: This sequence change replaces glutamic acid, which is acidic and polar, with glycine, which is neutral and non-polar, at codon 713 of the RNF43 protein (p.Glu713Gly). This variant is not present in population databases (gnomAD no frequency). This variant has not been reported in the literature in individuals affected with RNF43-related conditions. ClinVar contains an entry for this variant (Variation ID: 2907006). An algorithm developed to predict the effect of missense changes on protein structure and function (PolyPhen-2) suggests that this variant is likely to be tolerated. In summary, the available evidence is currently insufficient to determine the role of this variant in disease. Therefore, it has been classified as a Variant of Uncertain Significance.

Ambry Genetics
Classification: Uncertain significance. Last evaluated: 2024-11-24. Review status: criteria provided, single submitter. Criteria: Ambry Variant Classification Scheme 2023. Collection method: clinical testing. Allele origin: germline.
Comment: The p.E713G variant (also known as c.2138A>G), located in coding exon 8 of the RNF43 gene, results from an A to G substitution at nucleotide position 2138. The glutamic acid at codon 713 is replaced by glycine, an amino acid with similar properties. This amino acid position is conserved. In addition, this alteration is predicted to be tolerated by in silico analysis. Based on the available evidence, the clinical significance of this variant remains unclear.

NM_017763.6(RNF43):c.2138A>G (p.Glu713Gly)

Gene: RNF43 (ring finger protein 43; minus strand). Cytogenetic location: 17q22.
Variant type: single nucleotide variant.
Coding change: c.2138A>G on transcript NM_017763.6 (MANE Select); coding-DNA position 2138, A replaced by G.
Protein change: p.Glu713Gly; replaces glutamic acid 713 with glycine.
Molecular consequence: missense variant.
Genome position (GRCh38, 1-based): chr17:58,357,638, T>C on the plus strand (A>G on the coding strand, the complement: RNF43 is on the minus strand). VCF-style: chr17-58357638-T-C. GRCh37 (hg19) VCF-style: chr17-56434999-T-C.
Other names: c.2138A>G, p.Glu713Gly (NM_001305544.3); c.1757A>G, p.Glu586Gly (NM_001305545.2); short protein forms E713G, E586G.
Identifiers: ClinVar variation 2907006 (VCV002907006.5), dbSNP rs763063494, ClinGen allele CA400386069.